The following is an entry in ClinVar:

NM_001349206.2(LPIN1):c.429C>T (p.Ser143=)

Gene: LPIN1 (lipin 1; plus strand). Cytogenetic location: 2p25.1.
Variant type: single nucleotide variant.
Coding change: c.429C>T on transcript NM_001349206.2 (MANE Select); coding-DNA position 429, C replaced by T.
Protein change: p.Ser143=; no amino-acid change (serine 143 retained).
Molecular consequence: synonymous variant. On other transcripts: non-coding transcript variant (1).
Genome position (GRCh38, 1-based): chr2:11,771,512, C>T. VCF-style: chr2-11771512-C-T. GRCh37 (hg19) VCF-style: chr2-11911638-C-T.
Other names: c.447C>T, p.Ser149= (NM_001261427.3); c.576C>T, p.Ser192= (NM_001261428.3, NM_001349208.2); c.429C>T, p.Ser143= (NM_001349199.2, NM_001349200.2, NM_001349201.2 and 5 more transcripts); c.519C>T, p.Ser173= (NM_001349207.2).
Identifiers: ClinVar variation 330906 (VCV000330906.13), dbSNP rs145629147, ClinGen allele CA1533426.

ClinVar aggregate classification (germline): Conflicting classifications of pathogenicity. Review status: criteria provided, conflicting classifications (1 of 4 stars). 3 submissions from 3 submitters: Uncertain significance (1); Likely benign (2). Last evaluated 2025-10-06.

Conditions:
Myoglobinuria, acute recurrent, autosomal recessive. Also called: MYOGLOBINURIA, FAMILIAL PAROXYSMAL PARALYTIC; RHABDOMYOLYSIS, ACUTE RECURRENT; Myoglobinuria, recurrent, autosomal recessive. Identifiers: Orphanet 99845, MedGen C1849386, MONDO:0009992, OMIM 268200.
LPIN1-related disorder. Also called: LPIN1-related condition.

Allele frequency attached by ClinVar (database versions not stated): gnomAD exomes 0.00009; ExAC 0.00015; ESP Exome Variant Server 0.00031; gnomAD 0.00032; TOPMed 0.00033; 1000 Genomes Project 0.00040; 1000 Genomes Project 30x 0.00062.
gnomAD v4.1: 116 of 1,614,100 alleles (0.0072%); highest among the groups gnomAD compares: African/African-American, 0.096%; no homozygotes.

Submissions (3):

Labcorp Genetics (formerly Invitae), Labcorp
Classification: Likely benign. Last evaluated: 2025-10-06. Review status: criteria provided, single submitter. Criteria: Invitae Variant Classification Sherloc (09022015). Collection method: clinical testing. Allele origin: germline.

PreventionGenetics, part of Exact Sciences
Classification: Likely benign for LPIN1-related condition. Last evaluated: 2024-10-16. Review status: criteria provided, single submitter. Criteria: ACMG Guidelines, 2015. Collection method: clinical testing. Allele origin: germline.
Comment: This variant is classified as likely benign based on ACMG/AMP sequence variant interpretation guidelines (Richards et al. 2015 PMID: 25741868, with internal and published modifications).

Illumina Laboratory Services, Illumina
Classification: Uncertain significance for Myoglobinuria, acute recurrent, autosomal recessive. Last evaluated: 2018-01-12. Review status: criteria provided, single submitter. Criteria: ICSL Variant Classification Criteria 13 December 2019. Collection method: clinical testing. Allele origin: germline.